The following is an entry in ClinVar:

ClinVar aggregate classification (germline): Likely pathogenic (1 of 4 stars; one submission).

Conditions:
Immunodeficiency 49 (IMD49). Also called: SEVERE COMBINED IMMUNODEFICIENCY, T CELL-NEGATIVE, B CELL-POSITIVE, NK CELL-POSITIVE, WITH INTELLECTUAL DISABILITY, SPASTICITY, AND CRANIOFACIAL ABNORMALITIES; SCID, T CELL-NEGATIVE, B CELL-POSITIVE, NK CELL-POSITIVE, WITH INTELLECTUAL DISABILITY, SPASTICITY, AND CRANIOFACIAL ABNORMALITIES; IMMUNODEFICIENCY 49, SEVERE COMBINED. Identifiers: MedGen C4310656, MONDO:0014981, OMIM 617237.
Intellectual developmental disorder with speech delay, dysmorphic facies, and t-cell abnormalities. Also called: BCL11B-related BAFopathy. Identifiers: Orphanet 662829, MedGen C4748152, MONDO:0060763, OMIM 618092.

Submission:

Juno Genomics, Hangzhou Juno Genomics, Inc
Classification: Likely pathogenic for Immunodeficiency 49; Intellectual developmental disorder with speech delay, dysmorphic facies, and t-cell abnormalities. Review status: criteria provided, single submitter. Criteria: ACMG Guidelines, 2015. Collection method: clinical testing. Allele origin: germline. Affected: yes.
Comment: Null variant in a gene where loss of function (LOF) is a known mechanism of disease.;Absent from controls (or at extremely low frequency if recessive) in Genome Aggregation Database, Exome Sequencing Project, 1000 Genomes Project, or Exome Aggregation Consortium.;Assumed de novo, but without confirmation of paternity and maternity.

NM_138576.4(BCL11B):c.1707del (p.Gly570fs)

Gene: BCL11B (BCL11 transcription factor B; minus strand). Cytogenetic location: 14q32.2.
Variant type: Deletion.
Coding change: c.1707del on transcript NM_138576.4 (MANE Select); coding-DNA position 1707, one base deleted (C; older notation c.1707delC).
Protein change: p.Gly570fs; shifts the reading frame from glycine 570.
Molecular consequence: frameshift variant.
Genome position (GRCh38, 1-based): chr14:99,175,129, G deleted on the plus strand (C on the coding strand, the reverse complement: BCL11B is on the minus strand). VCF-style (leftmost placement, unchanged base first): chr14-99175128-CG-C. GRCh37 (hg19) VCF-style: chr14-99641465-CG-C.
Other names: c.1704del, p.Gly569fs (NM_001282237.2); c.1491del, p.Gly498fs (NM_001282238.2); c.1494del, p.Gly499fs (NM_022898.3); short protein forms G498fs, G499fs, G569fs, G570fs.
Identifiers: ClinVar variation 3382096 (VCV003382096.2).
Genomic context (GRCh38, chr14:99,175,128, plus strand): 5'-CGTCAGCCAGCGCCTTGGCCGCGCCGCCCCCCGCGCCCGGGACCCCGGGCACCCCACCAC[CG>C]CCGTTCTCGCGGTTGCGGCTCAGCTCCGAGTCCATGCTGAAGCTCGACTCGGGCCGGCTC-3'